The following is an entry in ClinVar:

ClinVar aggregate classification (germline): Likely benign. Review status: criteria provided, multiple submitters, no conflicts (2 of 4 stars). 4 submissions from 4 submitters: Likely benign (4). Last evaluated 2025-09-20.

Conditions:
Inborn genetic diseases. Identifiers: MedGen C0950123, MeSH D030342.

Allele frequency attached by ClinVar (database versions not stated): gnomAD 0.00002; ESP Exome Variant Server 0.00008; 1000 Genomes Project 30x 0.00016; 1000 Genomes Project 0.00020.
gnomAD v4.1: 62 of 1,613,642 alleles (0.0038%); highest among the groups gnomAD compares: Middle Eastern, 0.05%; no homozygotes.

Submissions (4):

Labcorp Genetics (formerly Invitae), Labcorp
Classification: Likely benign. Last evaluated: 2025-09-20. Review status: criteria provided, single submitter. Criteria: Invitae Variant Classification Sherloc (09022015). Collection method: clinical testing. Allele origin: germline.

Ambry Genetics
Classification: Likely benign for Inborn genetic diseases. Last evaluated: 2024-12-08. Review status: criteria provided, single submitter. Criteria: Ambry Variant Classification Scheme 2023. Collection method: clinical testing. Allele origin: germline.

Blueprint Genetics
Classification: Likely benign. Last evaluated: 2024-03-13. Review status: criteria provided, single submitter. Criteria: ACMG Guidelines, 2015. Collection method: clinical testing. Allele origin: germline.

CeGaT Center for Human Genetics Tuebingen
Classification: Likely benign. Last evaluated: 2023-10-01. Review status: criteria provided, single submitter. Criteria: CeGaT Center For Human Genetics Tuebingen Variant Classification Criteria Version 2. Collection method: clinical testing. Allele origin: germline. Affected: yes. Observed: 1 variant allele.
Comment: SAMD9L: BP4, BP7

NM_152703.5(SAMD9L):c.4629A>G (p.Lys1543=)

Gene: SAMD9L (sterile alpha motif domain containing 9 like; minus strand). Cytogenetic location: 7q21.2.
Variant type: single nucleotide variant.
Coding change: c.4629A>G on transcript NM_152703.5 (MANE Select); coding-DNA position 4629, A replaced by G.
Protein change: p.Lys1543=; no amino-acid change (lysine 1543 retained).
Molecular consequence: synonymous variant.
Genome position (GRCh38, 1-based): chr7:93,131,343, T>C on the plus strand (A>G on the coding strand, the complement: SAMD9L is on the minus strand). VCF-style: chr7-93131343-T-C. GRCh37 (hg19) VCF-style: chr7-92760656-T-C.
Other names: c.4629A>G (NM_152703.2); c.4629A>G, p.Lys1543= (NM_001303496.3, NM_001303497.3, NM_001303498.3 and 5 more transcripts).
Identifiers: ClinVar variation 1991369 (VCV001991369.30), dbSNP rs201068807, ClinGen allele CA4343268.